The following is an entry in ClinVar:

ClinVar aggregate classification (germline): Conflicting classifications of pathogenicity. Review status: criteria provided, conflicting classifications (1 of 4 stars). 5 submissions from 4 submitters: Likely pathogenic (2); Uncertain significance (3). Last evaluated 2025-09-02.

Conditions:
TREX1-related type 1 interferonopathy. Identifiers: MedGen CN377542, MONDO:0700256.
Aicardi-Goutieres syndrome 1. Also called: PSEUDOTOXOPLASMOSIS SYNDROME; CREE ENCEPHALITIS; ENCEPHALOPATHY, FAMILIAL INFANTILE, WITH INTRACRANIAL CALCIFICATION AND CHRONIC CEREBROSPINAL FLUID LYMPHOCYTOSIS. Identifiers: Orphanet 51, MedGen C0796126, MONDO:0009165, OMIM 225750.

gnomAD v4.1: 2 of 1,614,018 alleles (0.00012%); highest among the groups gnomAD compares: Non-Finnish European, 0.00017%; no homozygotes.

Submissions (5):

Dasa
Classification: Likely pathogenic for TREX1-related type 1 interferonopathy. Last evaluated: 2025-09-02. Review status: criteria provided, single submitter. Criteria: DASA Assertion Criteria. Collection method: clinical testing. Allele origin: germline.
Comment: NM_033629.6(TREX1):c.182C>A (p.Pro61Gln) is a missense variant that results in the substitution of proline with glutamine. This variant has been reported in individuals with TREX1-related disorders (PMID: 38796715). Functional evidence supports an impact on the gene or gene product. Also, this variant is rare in population databases. Based on the currently available evidence, this variant is classified as likely pathogenic.

Laboratorio de Genetica e Diagnostico Molecular, Hospital Israelita Albert Einstein
Classification: Uncertain significance for Aicardi-Goutieres syndrome 1. Last evaluated: 2023-02-03. Review status: criteria provided, single submitter. Criteria: ACMG Guidelines, 2015. Collection method: clinical testing. Allele origin: germline. Affected: yes. Observed: 1 variant allele.
Comment: ACMG classification criteria: PM2 moderated, PM3 moderated, PP4

Laboratorio de Genetica e Diagnostico Molecular, Hospital Israelita Albert Einstein
Classification: Uncertain significance. Last evaluated: 2023-01-31. Review status: criteria provided, single submitter. Criteria: ACMG Guidelines, 2015. Collection method: clinical testing. Allele origin: germline. Affected: yes.
Comment: ACMG classification criteria: PM2, PM3, PP4

Mendelics
Classification: Likely pathogenic for Aicardi-Goutieres syndrome 1. Last evaluated: 2019-05-28. Review status: criteria provided, single submitter. Criteria: Mendelics Assertion Criteria 2017. Collection method: clinical testing. Allele origin: unknown.

GeneDx
Classification: Uncertain significance. Last evaluated: 2019-04-11. Review status: criteria provided, single submitter. Criteria: GeneDx Variant Classification Process June 2021. Collection method: clinical testing. Allele origin: germline. Affected: yes.
Comment: Not observed in large population cohorts (Lek et al., 2016); In silico analysis, which includes protein predictors and evolutionary conservation, supports a deleterious effect; Has not been previously published as pathogenic or benign to our knowledge

Literature cited by the submitters: PubMed 38796715 (cited by Dasa).

NM_033629.6(TREX1):c.182C>A (p.Pro61Gln)

Genes: ATRIP (ATR interacting protein; plus strand), ATRIP-TREX1 (ATRIP-TREX1 readthrough; plus strand), TREX1 (three prime repair exonuclease 1; plus strand). Cytogenetic location: 3p21.31.
Variant type: single nucleotide variant.
Coding change: c.182C>A on transcript NM_033629.6 (MANE Select); coding-DNA position 182, C replaced by A.
Protein change: p.Pro61Gln; replaces proline 61 with glutamine.
Molecular consequence: missense variant. On other transcripts: non-coding transcript variant (1), 3 prime UTR variant (4).
Genome position (GRCh38, 1-based): chr3:48,466,837, C>A. VCF-style: chr3-48466837-C-A. GRCh37 (hg19) VCF-style: chr3-48508236-C-A.
Other names: NM_016381.5:c.347C>A; c.152C>A, p.Pro51Gln (NM_007248.5); c.*1283C>A (NM_001271022.2, NM_001271023.2, NM_032166.4 and 1 more transcripts); short protein forms P61Q, P51Q.
Identifiers: ClinVar variation 801965 (VCV000801965.11), dbSNP rs777034646, ClinGen allele CA73932620.